The following is an entry in ClinVar:

ClinVar aggregate classification (germline): Uncertain significance. Review status: reviewed by expert panel (3 of 4 stars). 2 submissions from 2 submitters: Uncertain significance (1). 1 of the submissions does not count toward it. Last evaluated 2024-06-10.

Conditions:
Severe combined immunodeficiency, autosomal recessive, T cell-negative, B cell-negative, NK cell-negative, due to adenosine deaminase deficiency. Also called: ADA deficiency; Adenosine deaminase deficient severe combined immunodeficiency; Severe combined immunodeficiency due to ADA deficiency; Adenosine Deaminase Deficiency; SCID DUE TO ADA DEFICIENCY; SCID DUE TO ADA DEFICIENCY, EARLY-ONSET. Identifiers: Orphanet 277, MedGen C0392607, MONDO:0007064, OMIM 102700.

gnomAD v4.1: 1 of 1,612,334 alleles (0.000062%); highest among the groups gnomAD compares: South Asian, 0.0011%; no homozygotes.

Submissions (2):

ClinGen Severe Combined Immunodeficiency Variant Curation Expert Panel, ClinGen
Classification: Uncertain significance for Severe combined immunodeficiency, autosomal recessive, T cell-negative, B cell-negative, NK cell-negative, due to adenosine deaminase deficiency. Last evaluated: 2024-06-10. Review status: reviewed by expert panel. Criteria: ClinGen SCID ACMG Specifications ADA V1.0.0. Collection method: curation. Allele origin: germline. Inheritance: Autosomal recessive inheritance.
Comment: NM_000022.4:c.596A>G is a missense variant predicted to cause substitution of Glutamine by Arginine at amino acid 199 (p.Gln199Arg). The highest population minor allele frequency in gnomAD v4 is 0.00001440 (1/69426 alleles) in South Asian population, which is lower than the ClinGen SCID VCEP threshold (<0.0001742) for PM2_Supporting, meeting this criterion (PM2_Supporting). There are no publications for this variant in the literature. Based on insufficient evidence, this variant may be classified as variant of uncertain significance for autosomal recessive SCID based on ACMG/AMP criteria applied, as specified by the ClinGen SCID VCEP(specification version 1.0): PM2_supporting.

Labcorp Genetics (formerly Invitae), Labcorp
Classification: Uncertain significance for Severe combined immunodeficiency, autosomal recessive, T cell-negative, B cell-negative, NK cell-negative, due to adenosine deaminase deficiency. Last evaluated: 2022-07-19. Review status: criteria provided, single submitter. Criteria: Invitae Variant Classification Sherloc (09022015). Collection method: clinical testing. Allele origin: germline. Not counted in ClinVar's aggregate classification.
Comment: This sequence change replaces glutamine, which is neutral and polar, with arginine, which is basic and polar, at codon 199 of the ADA protein (p.Gln199Arg). This variant is present in population databases (no rsID available, gnomAD 0.003%). This variant has not been reported in the literature in individuals affected with ADA-related conditions. Advanced modeling of protein sequence and biophysical properties (such as structural, functional, and spatial information, amino acid conservation, physicochemical variation, residue mobility, and thermodynamic stability) performed at Invitae indicates that this missense variant is not expected to disrupt ADA protein function. In summary, the available evidence is currently insufficient to determine the role of this variant in disease. Therefore, it has been classified as a Variant of Uncertain Significance.

NM_000022.4(ADA):c.596A>G (p.Gln199Arg)

Gene: ADA (adenosine deaminase; minus strand). Cytogenetic location: 20q13.12.
Variant type: single nucleotide variant.
Coding change: c.596A>G on transcript NM_000022.4 (MANE Select); coding-DNA position 596, A replaced by G.
Protein change: p.Gln199Arg; replaces glutamine 199 with arginine.
Molecular consequence: missense variant. On other transcripts: non-coding transcript variant (1).
Genome position (GRCh38, 1-based): chr20:44,624,212, T>C on the plus strand (A>G on the coding strand, the complement: ADA is on the minus strand). VCF-style: chr20-44624212-T-C. GRCh37 (hg19) VCF-style: chr20-43252853-T-C.
Other names: NM_000022.4(ADA):c.596A>G; p.Gln199Arg; c.191A>G, p.Gln64Arg (NM_001322050.2); c.596A>G, p.Gln199Arg (NM_001322051.2); short protein forms Q199R, Q64R.
Identifiers: ClinVar variation 2050660 (VCV002050660.1), dbSNP rs121908734, ClinGen allele CA409120756.
Genomic context (GRCh38, chr20:44,624,212, plus strand): 5'-AGACAAGCTCACCCAGGGCCAGCCTCTCCATTCCTTCTCACAGGACCCACCTGGTAGGCC[T>C]GGACATGTCCAGGCAAGAGGCTGCTTCCTGGGATGGTCTCATCTCCAGCCAGGTCAATGG-3'
Protein context (NP_000013.2, residues 189-209): PGSSLLPGHV[Gln199Arg]AYQEAVKSGI